The following is an entry in ClinVar:

NM_001080.3(ALDH5A1):c.583A>G (p.Ile195Val)

Gene: ALDH5A1 (aldehyde dehydrogenase 5 family member A1; plus strand). Cytogenetic location: 6p22.3.
Variant type: single nucleotide variant.
Coding change: c.583A>G on transcript NM_001080.3 (MANE Select); coding-DNA position 583, A replaced by G.
Protein change: p.Ile195Val; replaces isoleucine 195 with valine.
Molecular consequence: missense variant.
Genome position (GRCh38, 1-based): chr6:24,503,407, A>G. VCF-style: chr6-24503407-A-G. GRCh37 (hg19) VCF-style: chr6-24503635-A-G.
Other names: c.583A>G, p.Ile195Val (NM_170740.1, NM_001368954.1); short protein forms I195V.
Identifiers: ClinVar variation 459989 (VCV000459989.10), dbSNP rs759237061, ClinGen allele CA3656658.

ClinVar aggregate classification (germline): Uncertain significance. Review status: criteria provided, multiple submitters, no conflicts (2 of 4 stars). 2 submissions from 2 submitters: Uncertain significance (2). Last evaluated 2025-01-27.

Conditions:
Succinate-semialdehyde dehydrogenase deficiency (SSADHD). Also called: GABA METABOLIC DEFECT; SSADH DEFICIENCY; 4-HYDROXYBUTYRIC ACIDURIA; Succinic Semialdehyde Dehydrogenase Deficiency. Identifiers: Orphanet 22, MedGen C0268631, MONDO:0010083, OMIM 271980.

Allele frequency attached by ClinVar (database versions not stated): ExAC 0.00003; gnomAD exomes 0.00003 and 0.00007; gnomAD 0.00004; TOPMed 0.00006.
gnomAD v4.1: 101 of 1,613,326 alleles (0.0063%); highest among the groups gnomAD compares: Admixed American, 0.0083%; no homozygotes.

Submissions (2):

Labcorp Genetics (formerly Invitae), Labcorp
Classification: Uncertain significance for Succinate-semialdehyde dehydrogenase deficiency. Last evaluated: 2025-01-27. Review status: criteria provided, single submitter. Criteria: Invitae Variant Classification Sherloc (09022015). Collection method: clinical testing. Allele origin: germline.
Comment: This sequence change replaces isoleucine, which is neutral and non-polar, with valine, which is neutral and non-polar, at codon 195 of the ALDH5A1 protein (p.Ile195Val). This variant is present in population databases (rs759237061, gnomAD 0.006%). This variant has not been reported in the literature in individuals affected with ALDH5A1-related conditions. ClinVar contains an entry for this variant (Variation ID: 459989). An algorithm developed to predict the effect of missense changes on protein structure and function outputs the following: PolyPhen-2: "Benign". The valine amino acid residue is found in multiple mammalian species, which suggests that this missense change does not adversely affect protein function. In summary, the available evidence is currently insufficient to determine the role of this variant in disease. Therefore, it has been classified as a Variant of Uncertain Significance.

Illumina Laboratory Services, Illumina
Classification: Uncertain significance for Succinate-semialdehyde dehydrogenase deficiency. Last evaluated: 2018-01-13. Review status: criteria provided, single submitter. Criteria: ICSL Variant Classification Criteria 13 December 2019. Collection method: clinical testing. Allele origin: germline.